The following is an entry in ClinVar:

ClinVar aggregate classification (germline): Uncertain significance (1 of 4 stars; one submission).

Conditions:
Chromosome 2q32-q33 deletion syndrome (GLASS). Also called: Glass syndrome; 2q33.1 deletion syndrome. Identifiers: Orphanet 251019, MedGen C2676739, MONDO:0012864, OMIM 612313.

Allele frequency attached by ClinVar (database versions not stated): gnomAD 0.00001.
gnomAD v4.1: 1 of 1,614,014 alleles (0.000062%); highest among the groups gnomAD compares: African/African-American, 0.0013%; no homozygotes.

Submission:

Labcorp Genetics (formerly Invitae), Labcorp
Classification: Uncertain significance for Chromosome 2q32-q33 deletion syndrome. Last evaluated: 2023-07-25. Review status: criteria provided, single submitter. Criteria: Invitae Variant Classification Sherloc (09022015). Collection method: clinical testing. Allele origin: germline.
Comment: In summary, the available evidence is currently insufficient to determine the role of this variant in disease. Therefore, it has been classified as a Variant of Uncertain Significance. This sequence change replaces asparagine, which is neutral and polar, with serine, which is neutral and polar, at codon 336 of the SATB2 protein (p.Asn336Ser). This variant is not present in population databases (gnomAD no frequency). This variant has not been reported in the literature in individuals affected with SATB2-related conditions. Advanced modeling of protein sequence and biophysical properties (such as structural, functional, and spatial information, amino acid conservation, physicochemical variation, residue mobility, and thermodynamic stability) performed at Invitae indicates that this missense variant is not expected to disrupt SATB2 protein function.

NM_001172509.2(SATB2):c.1007A>G (p.Asn336Ser)

Gene: SATB2 (SATB homeobox 2; minus strand). Cytogenetic location: 2q33.1.
Variant type: single nucleotide variant.
Coding change: c.1007A>G on transcript NM_001172509.2 (MANE Select); coding-DNA position 1007, A replaced by G.
Protein change: p.Asn336Ser; replaces asparagine 336 with serine.
Molecular consequence: missense variant.
Genome position (GRCh38, 1-based): chr2:199,348,867, T>C on the plus strand (A>G on the coding strand, the complement: SATB2 is on the minus strand). VCF-style: chr2-199348867-T-C. GRCh37 (hg19) VCF-style: chr2-200213590-T-C.
Other names: c.1007A>G, p.Asn336Ser (NM_001172517.1, NM_015265.4); short protein forms N336S.
Identifiers: ClinVar variation 2868554 (VCV002868554.3), dbSNP rs1688730445, ClinGen allele CA350387587.